The following is an entry in ClinVar:

NM_203447.4(DOCK8):c.2707A>G (p.Ser903Gly)

Gene: DOCK8 (dedicator of cytokinesis 8; plus strand). Cytogenetic location: 9p24.3.
Variant type: single nucleotide variant.
Coding change: c.2707A>G on transcript NM_203447.4 (MANE Select); coding-DNA position 2707, A replaced by G.
Protein change: p.Ser903Gly; replaces serine 903 with glycine.
Molecular consequence: missense variant.
Genome position (GRCh38, 1-based): chr9:382,614, A>G. VCF-style: chr9-382614-A-G. GRCh37 (hg19) VCF-style: chr9-382614-A-G.
Other names: c.2503A>G, p.Ser835Gly (NM_001190458.2, NM_001193536.2); short protein forms S835G, S903G.
Identifiers: ClinVar variation 666160 (VCV000666160.8), dbSNP rs763459128, ClinGen allele CA4958289.

ClinVar aggregate classification (germline): Uncertain significance. Review status: criteria provided, multiple submitters, no conflicts (2 of 4 stars). 2 submissions from 2 submitters: Uncertain significance (2). Last evaluated 2025-10-19.

Conditions:
Inborn genetic diseases. Identifiers: MedGen C0950123, MeSH D030342.
Combined immunodeficiency due to DOCK8 deficiency (HIES2). Also called: HYPER-IgE RECURRENT INFECTION SYNDROME 2, AUTOSOMAL RECESSIVE; HIES autosomal recessive; Hyper-IgE recurrent infection syndrome, autosomal recessive; DOCK8 Deficiency; HYPER-IgE SYNDROME 2, AUTOSOMAL RECESSIVE, WITH RECURRENT INFECTIONS. Identifiers: Orphanet 217390, MedGen C4722305, MONDO:0009478, OMIM 243700.

Allele frequency attached by ClinVar (database versions not stated): ExAC 0.00002; gnomAD 0.00003 and 0.00004; gnomAD exomes 0.00003 and 0.00005; TOPMed 0.00003.
gnomAD v4.1: 83 of 1,614,210 alleles (0.0051%); highest among the groups gnomAD compares: South Asian, 0.012%; no homozygotes.

Submissions (2):

Labcorp Genetics (formerly Invitae), Labcorp
Classification: Uncertain significance for Combined immunodeficiency due to DOCK8 deficiency. Last evaluated: 2025-10-19. Review status: criteria provided, single submitter. Criteria: Invitae Variant Classification Sherloc (09022015). Collection method: clinical testing. Allele origin: germline.
Comment: This sequence change replaces serine, which is neutral and polar, with glycine, which is neutral and non-polar, at codon 903 of the DOCK8 protein (p.Ser903Gly). This variant is present in population databases (rs763459128, gnomAD 0.01%). This variant has not been reported in the literature in individuals affected with DOCK8-related conditions. ClinVar contains an entry for this variant (Variation ID: 666160). Invitae Evidence Modeling of protein sequence and biophysical properties (such as structural, functional, and spatial information, amino acid conservation, physicochemical variation, residue mobility, and thermodynamic stability) indicates that this missense variant is not expected to disrupt DOCK8 protein function with a negative predictive value of 80%. In summary, the available evidence is currently insufficient to determine the role of this variant in disease. Therefore, it has been classified as a Variant of Uncertain Significance.

Ambry Genetics
Classification: Uncertain significance for Inborn genetic diseases. Last evaluated: 2025-04-10. Review status: criteria provided, single submitter. Criteria: Ambry Variant Classification Scheme 2023. Collection method: clinical testing. Allele origin: germline.